The following is an entry in ClinVar:

NM_138927.4(SON):c.6166G>A (p.Ala2056Thr)

Gene: SON (SON DNA and RNA binding protein; plus strand). Cytogenetic location: 21q22.11.
Variant type: single nucleotide variant.
Coding change: c.6166G>A on transcript NM_138927.4 (MANE Select); coding-DNA position 6166, G replaced by A.
Protein change: p.Ala2056Thr; replaces alanine 2056 with threonine.
Molecular consequence: missense variant. On other transcripts: non-coding transcript variant (1).
Genome position (GRCh38, 1-based): chr21:33,557,161, G>A. VCF-style: chr21-33557161-G-A. GRCh37 (hg19) VCF-style: chr21-34929467-G-A.
Other names: c.6166G>A, p.Ala2056Thr (NM_001291411.2, NM_032195.3); c.250G>A, p.Ala84Thr (NM_001291412.3); short protein forms A2056T, A84T.
Identifiers: ClinVar variation 1185964 (VCV001185964.2), dbSNP rs2085984945, ClinGen allele CA410166329.

ClinVar aggregate classification (germline): Uncertain significance (1 of 4 stars; one submission).

Allele frequency attached by ClinVar (database versions not stated): TOPMed below 0.00001.
gnomAD v4.1: 4 of 1,608,932 alleles (0.00025%); highest among the groups gnomAD compares: Non-Finnish European, 0.00017%; no homozygotes.

Submission:

GeneDx
Classification: Uncertain significance. Last evaluated: 2021-02-26. Review status: criteria provided, single submitter. Criteria: GeneDx Variant Classification Process June 2021. Collection method: clinical testing. Allele origin: germline. Affected: yes.
Comment: Not observed in large population cohorts (Lek et al., 2016); In silico analysis supports that this missense variant has a deleterious effect on protein structure/function; Has not been previously published as pathogenic or benign to our knowledge